The following is an entry in ClinVar:

NM_005245.4(FAT1):c.765G>A (p.Pro255=)

Gene: FAT1 (FAT atypical cadherin 1; minus strand). Cytogenetic location: 4q35.2.
Variant type: single nucleotide variant.
Coding change: c.765G>A on transcript NM_005245.4 (MANE Select); coding-DNA position 765, G replaced by A.
Protein change: p.Pro255=; no amino-acid change (proline 255 retained).
Molecular consequence: synonymous variant.
Genome position (GRCh38, 1-based): chr4:186,709,063, C>T on the plus strand (G>A on the coding strand, the complement: FAT1 is on the minus strand). VCF-style: chr4-186709063-C-T. GRCh37 (hg19) VCF-style: chr4-187630217-C-T.
Other names: c.765G>A (NM_005245.3).
Identifiers: ClinVar variation 2182476 (VCV002182476.6), dbSNP rs767715169, ClinGen allele CA3167601.
Genomic context (GRCh38, chr4:186,709,063, plus strand): 5'-AATTGCATATGCTGGGTCCCTGTCCAGTTCTGATGGTGACAATGTCACTGCTGTTATCAC[C>T]GGAGCACATTCATTGGCCTGTTCGATGTGCACCGTTAGCTTGGCCATGCTGCTGATGCCA-3'
Protein context (NP_005236.2, residues 245-265): VHIEQANECA[Pro255=]VITAVTLSPS

ClinVar aggregate classification (germline): Likely benign. Review status: criteria provided, single submitter (1 of 4 stars). 2 submissions from 2 submitters: Likely benign (1). 1 of the submissions does not count toward it. Last evaluated 2022-07-10.

Conditions:
FAT1-related disorder. Also called: FAT1-related condition.

Allele frequency attached by ClinVar (database versions not stated): ExAC 0.00001; TOPMed 0.00002; gnomAD 0.00003; gnomAD exomes 0.00004.
gnomAD v4.1: 59 of 1,613,938 alleles (0.0037%); highest among the groups gnomAD compares: Non-Finnish European, 0.0042%; no homozygotes.

Submissions (2):

Labcorp Genetics (formerly Invitae), Labcorp
Classification: Likely benign. Last evaluated: 2022-07-10. Review status: criteria provided, single submitter. Criteria: Invitae Variant Classification Sherloc (09022015). Collection method: clinical testing. Allele origin: germline.

PreventionGenetics, part of Exact Sciences
Classification: Likely benign for FAT1-related condition. Last evaluated: 2022-01-18. Review status: no assertion criteria provided. Collection method: clinical testing. Allele origin: germline. Not counted in ClinVar's aggregate classification.
Comment: This variant is classified as likely benign based on ACMG/AMP sequence variant interpretation guidelines (Richards et al. 2015 PMID: 25741868, with internal and published modifications).